The following is an entry in ClinVar:

ClinVar aggregate classification (germline): Uncertain significance (1 of 4 stars; one submission).

Conditions:
Idiopathic generalized epilepsy. Also called: Generalised epilepsy; EIG. Identifiers: MedGen C0270850, MONDO:0005579, OMIM 600669.
Hyperaldosteronism, familial, type IV (HALD4). Also called: FH IV; ALDOSTERONISM, PRIMARY, AND HYPERTENSION. Identifiers: Orphanet 642671, MedGen C4310756, MONDO:0014875, OMIM 617027.

Allele frequency attached by ClinVar (database versions not stated): TOPMed below 0.00001; gnomAD 0.00001.
gnomAD v4.1: 13 of 1,594,382 alleles (0.00082%); highest among the groups gnomAD compares: South Asian, 0.0023%; no homozygotes.

Submission:

Labcorp Genetics (formerly Invitae), Labcorp
Classification: Uncertain significance for Idiopathic generalized epilepsy; Hyperaldosteronism, familial, type IV. Last evaluated: 2022-01-04. Review status: criteria provided, single submitter. Criteria: Invitae Variant Classification Sherloc (09022015). Collection method: clinical testing. Allele origin: germline.
Comment: This sequence change replaces proline, which is neutral and non-polar, with serine, which is neutral and polar, at codon 684 of the CACNA1H protein (p.Pro684Ser). This variant is not present in population databases (gnomAD no frequency). In summary, the available evidence is currently insufficient to determine the role of this variant in disease. Therefore, it has been classified as a Variant of Uncertain Significance. Advanced modeling of protein sequence and biophysical properties (such as structural, functional, and spatial information, amino acid conservation, physicochemical variation, residue mobility, and thermodynamic stability) performed at Invitae indicates that this missense variant is not expected to disrupt CACNA1H protein function. This missense change has been observed in individual(s) with clinical features of CACNA1H-related conditions (PMID: 12891677).

Literature cited by the submitters: PubMed 12891677.

NM_021098.3(CACNA1H):c.2050C>T (p.Pro684Ser)

Gene: CACNA1H (calcium voltage-gated channel subunit alpha1 H; plus strand). Cytogenetic location: 16p13.3.
Variant type: single nucleotide variant.
Coding change: c.2050C>T on transcript NM_021098.3 (MANE Select); coding-DNA position 2050, C replaced by T.
Protein change: p.Pro684Ser; replaces proline 684 with serine.
Molecular consequence: missense variant.
Genome position (GRCh38, 1-based): chr16:1,204,057, C>T. VCF-style: chr16-1204057-C-T. GRCh37 (hg19) VCF-style: chr16-1254057-C-T.
Other names: c.2050C>T, p.Pro684Ser (NM_001005407.2); short protein forms P684S.
Identifiers: ClinVar variation 1911218 (VCV001911218.5), dbSNP rs762185083, ClinGen allele CA7800093.
Genomic context (GRCh38, chr16:1,204,057, plus strand): 5'-CCCTCTCCCGCAGGACTGGGCCAGGCCCCTGGCCATCTGTCGGGCCTCAGTGTGCCCTGC[C>T]CCCTGCCCAGCCCCCCAGCGGGCACACTGACCTGTGAGCTGAAGAGCTGCCCGTACTGCA-3'
Protein context (NP_066921.2, residues 674-694): GHLSGLSVPC[Pro684Ser]LPSPPAGTLT